The following is an entry in ClinVar:

ClinVar aggregate classification (germline): Benign/Likely benign. Review status: criteria provided, multiple submitters, no conflicts (2 of 4 stars). 4 submissions from 4 submitters: Benign (2); Likely benign (2). Last evaluated 2025-12-29.

Conditions:
Aortic aneurysm, familial thoracic 7 (AAT7). Also called: AORTIC DISSECTION, FAMILIAL, WITH OR WITHOUT AORTIC ANEURYSM. Identifiers: MedGen C3151077, MONDO:0013418, OMIM 613780.

Allele frequency attached by ClinVar (database versions not stated): gnomAD exomes 0.00012 and 0.00037; ExAC 0.00044; gnomAD 0.00145 and 0.00153; 1000 Genomes Project 30x 0.00156; 1000 Genomes Project 0.00160; TOPMed 0.00160; ESP Exome Variant Server 0.00277.
gnomAD v4.1: 396 of 1,614,076 alleles (0.025%); highest among the groups gnomAD compares: African/African-American, 0.49%; 1 homozygote.

Submissions (4):

Labcorp Genetics (formerly Invitae), Labcorp
Classification: Benign for Aortic aneurysm, familial thoracic 7. Last evaluated: 2025-12-29. Review status: criteria provided, single submitter. Criteria: Invitae Variant Classification Sherloc (09022015). Collection method: clinical testing. Allele origin: germline.

Blueprint Genetics
Classification: Likely benign. Last evaluated: 2024-08-28. Review status: criteria provided, single submitter. Criteria: ACMG Guidelines, 2015. Collection method: clinical testing. Allele origin: germline.

Women's Health and Genetics/Laboratory Corporation of America, LabCorp
Classification: Benign. Last evaluated: 2019-12-16. Review status: criteria provided, single submitter. Criteria: LabCorp Variant Classification Summary - May 2015. Collection method: clinical testing. Allele origin: germline.
Comment: Variant summary: MYLK c.5501-20G>A alters a non-conserved nucleotide located close to a canonical splice site and therefore could affect mRNA splicing, leading to a significantly altered protein sequence. 5/5 computational tools predict no significant impact on normal splicing. However, these predictions have yet to be confirmed by functional studies. The variant allele was found at a frequency of 0.0005 in 281432 control chromosomes, predominantly at a frequency of 0.0054 within the African or African-American subpopulation in the gnomAD database, including 1 homozygotes. The observed variant frequency within African or African-American control individuals in the gnomAD database is approximately 216 fold of the estimated maximal expected allele frequency for a pathogenic variant in MYLK causing Aortopathy phenotype (2.5e-05), strongly suggesting that the variant is a benign polymorphism found primarily in populations of African or African-American origin. To our knowledge, no occurrence of c.5501-20G>A in individuals affected with Aortopathy and no experimental evidence demonstrating its impact on protein function have been reported. One ClinVar submitter (evaluation after 2014) cites the variant as likely benign. Based on the evidence outlined above, the variant was classified as benign.

GeneDx
Classification: Likely benign. Last evaluated: 2018-04-06. Review status: criteria provided, single submitter. Criteria: GeneDx Variant Classification (06012015). Collection method: clinical testing. Allele origin: germline. Affected: yes.
Comment: This variant is considered likely benign or benign based on one or more of the following criteria: it is a conservative change, it occurs at a poorly conserved position in the protein, it is predicted to be benign by multiple in silico algorithms, and/or has population frequency not consistent with disease.

NM_053025.4(MYLK):c.5501-20G>A

Genes: MYLK (myosin light chain kinase; minus strand), MYLK-AS1 (MYLK antisense RNA 1; plus strand). Cytogenetic location: 3q21.1.
Variant type: single nucleotide variant.
Coding change: c.5501-20G>A on transcript NM_053025.4 (MANE Select); 20 bases into the intron before coding-DNA position 5501, G replaced by A.
Molecular consequence: intron variant.
Genome position (GRCh38, 1-based): chr3:123,614,369, C>T on the plus strand (G>A on the coding strand, the complement: MYLK is on the minus strand). VCF-style: chr3-123614369-C-T. GRCh37 (hg19) VCF-style: chr3-123333216-C-T.
Other names: c.4973-20G>A (NM_001321309.2); c.5141-20G>A (NM_053028.4); c.5294-20G>A (NM_053026.4); c.5348-20G>A (NM_053027.4); c.218-20G>A (NM_053031.4); c.221-20G>A (NM_053032.4).
Identifiers: ClinVar variation 681685 (VCV000681685.11), dbSNP rs186240444, ClinGen allele CA073048.